The following is an entry in ClinVar:

ClinVar aggregate classification (germline): Uncertain significance (1 of 4 stars; one submission).

Submission:

Women's Health and Genetics/Laboratory Corporation of America, LabCorp
Classification: Uncertain significance. Last evaluated: 2021-03-08. Review status: criteria provided, single submitter. Criteria: LabCorp Variant Classification Summary - May 2015. Collection method: clinical testing. Allele origin: germline.
Comment: Variant summary: ATM c.1203G>C (p.Gln401His) results in a non-conservative amino acid change in the encoded protein sequence. Four of five in-silico tools predict a damaging effect of the variant on protein function. The variant was absent in 251208 control chromosomes. The available data on variant occurrences in the general population are insufficient to allow any conclusion about variant significance. To our knowledge, no occurrence of c.1203G>C in individuals affected with Ataxia-Telangiectasia and no experimental evidence demonstrating its impact on protein function have been reported. No clinical diagnostic laboratories have submitted clinical-significance assessments for this variant to ClinVar after 2014. Based on the evidence outlined above, the variant was classified as uncertain significance.

NM_000051.4(ATM):c.1203G>C (p.Gln401His)

Gene: ATM (ATM serine/threonine kinase; plus strand). Cytogenetic location: 11q22.3.
Variant type: single nucleotide variant.
Coding change: c.1203G>C on transcript NM_000051.4 (MANE Select); coding-DNA position 1203, G replaced by C.
Protein change: p.Gln401His; replaces glutamine 401 with histidine.
Molecular consequence: missense variant.
Genome position (GRCh38, 1-based): chr11:108,249,070, G>C. VCF-style: chr11-108249070-G-C. GRCh37 (hg19) VCF-style: chr11-108119797-G-C.
Other names: c.1203G>C, p.Gln401His (NM_001351834.2); short protein forms Q401H.
Identifiers: ClinVar variation 1027634 (VCV001027634.1), dbSNP rs1214283617, ClinGen allele CA382532599.
Genomic context (GRCh38, chr11:108,249,070, plus strand): 5'-TGTCCCTTGCAAAAGGAAGAAAATAGAACTAGGCTGGGAAGTAATAAAAGATCACCTTCA[G>C]AAGTCACAGAATGATTTTGATCTTGTGCCTTGGTAAAGTGTTACCATTTTCTCATTCAGT-3'
Protein context (NP_000042.3, residues 391-411): LGWEVIKDHL[Gln401His]KSQNDFDLVP